The following is an entry in ClinVar:

NM_198428.3(BBS9):c.2568A>G (p.Val856=)

Gene: BBS9 (Bardet-Biedl syndrome 9; plus strand). Cytogenetic location: 7p14.3.
Variant type: single nucleotide variant.
Coding change: c.2568A>G on transcript NM_198428.3 (MANE Select); coding-DNA position 2568, A replaced by G.
Protein change: p.Val856=; no amino-acid change (valine 856 retained).
Molecular consequence: synonymous variant. On other transcripts: non-coding transcript variant (3), intron variant (1).
Genome position (GRCh38, 1-based): chr7:33,604,911, A>G. VCF-style: chr7-33604911-A-G. GRCh37 (hg19) VCF-style: chr7-33644523-A-G.
Other names: c.2463A>G, p.Val821= (NM_001033604.2); c.2553A>G, p.Val851= (NM_001033605.2); c.2568A>G, p.Val856= (NM_001348036.1, NM_001348041.4, NM_001348043.3); c.2019A>G, p.Val673= (NM_001348037.3); c.2295A>G, p.Val765= (NM_001348038.3); c.2190A>G, p.Val730= (NM_001348039.3); c.2448A>G, p.Val816= (NM_001348040.3, NM_014451.4); c.2433A>G, p.Val811= (NM_001348042.3); and 3 more.
Identifiers: ClinVar variation 3349364 (VCV003349364.1).

ClinVar aggregate classification (germline): Likely benign (0 of 4 stars; one submission).

Conditions:
BBS9-related disorder. Also called: BBS9-related condition.

Submission:

PreventionGenetics, part of Exact Sciences
Classification: Likely benign for BBS9-related condition. Last evaluated: 2023-08-30. Review status: no assertion criteria provided. Collection method: clinical testing. Allele origin: germline.
Comment: This variant is classified as likely benign based on ACMG/AMP sequence variant interpretation guidelines (Richards et al. 2015 PMID: 25741868, with internal and published modifications).